The following is an entry in ClinVar:

ClinVar aggregate classification (germline): Uncertain significance (1 of 4 stars; one submission).

Conditions:
Atrial fibrillation, familial, 7 (ATFB7). Identifiers: MedGen C2677106, MONDO:0012828, OMIM 612240.

Submission:

Labcorp Genetics (formerly Invitae), Labcorp
Classification: Uncertain significance for Atrial fibrillation, familial, 7. Last evaluated: 2024-08-04. Review status: criteria provided, single submitter. Criteria: Invitae Variant Classification Sherloc (09022015). Collection method: clinical testing. Allele origin: germline.
Comment: This sequence change affects codon 234 of the KCNA5 mRNA. It is a 'silent' change, meaning that it does not change the encoded amino acid sequence of the KCNA5 protein. This variant is not present in population databases (gnomAD no frequency). This variant has not been reported in the literature in individuals affected with KCNA5-related conditions. In summary, the available evidence is currently insufficient to determine the role of this variant in disease. Therefore, it has been classified as a Variant of Uncertain Significance.

NM_002234.4(KCNA5):c.702C>T (p.Arg234=)

Gene: KCNA5 (potassium voltage-gated channel subfamily A member 5; plus strand). Cytogenetic location: 12p13.32.
Variant type: single nucleotide variant.
Coding change: c.702C>T on transcript NM_002234.4 (MANE Select); coding-DNA position 702, C replaced by T.
Protein change: p.Arg234=; no amino-acid change (arginine 234 retained).
Molecular consequence: synonymous variant.
Genome position (GRCh38, 1-based): chr12:5,044,849, C>T. VCF-style: chr12-5044849-C-T. GRCh37 (hg19) VCF-style: chr12-5154015-C-T.
Identifiers: ClinVar variation 3712034 (VCV003712034.2).